The following is an entry in ClinVar:

NM_006379.5(SEMA3C):c.1890C>A (p.Ile630=)

Gene: SEMA3C (semaphorin 3C; minus strand). Cytogenetic location: 7q21.11.
Variant type: single nucleotide variant.
Coding change: c.1890C>A on transcript NM_006379.5 (MANE Select); coding-DNA position 1890, C replaced by A.
Protein change: p.Ile630=; no amino-acid change (isoleucine 630 retained).
Molecular consequence: synonymous variant.
Genome position (GRCh38, 1-based): chr7:80,745,260, G>T on the plus strand (C>A on the coding strand, the complement: SEMA3C is on the minus strand). VCF-style: chr7-80745260-G-T. GRCh37 (hg19) VCF-style: chr7-80374576-G-T.
Other names: c.1944C>A, p.Ile648= (NM_001350120.2); c.1716C>A, p.Ile572= (NM_001350121.2).
Identifiers: ClinVar variation 4999478 (VCV004999478.1).

ClinVar aggregate classification (germline): Likely benign (1 of 4 stars; one submission).

Conditions:
SEMA3C-related disorder. Also called: SEMA3C-related condition.

Submission:

PreventionGenetics, part of Exact Sciences
Classification: Likely benign for SEMA3C-related condition. Last evaluated: 2025-01-29. Review status: criteria provided, single submitter. Criteria: ACMG Guidelines, 2015. Collection method: clinical testing. Allele origin: germline.
Comment: This variant is classified as likely benign based on ACMG/AMP sequence variant interpretation guidelines (Richards et al. 2015 PMID: 25741868, with internal and published modifications).